The following is an entry in ClinVar:

ClinVar aggregate classification (germline): Uncertain significance (1 of 4 stars; one submission).

Conditions:
Inborn genetic diseases. Identifiers: MedGen C0950123, MeSH D030342.

Submission:

Ambry Genetics
Classification: Uncertain significance for Inborn genetic diseases. Last evaluated: 2025-06-07. Review status: criteria provided, single submitter. Criteria: Ambry Variant Classification Scheme 2023. Collection method: clinical testing. Allele origin: germline.
Comment: The p.F1119L variant (also known as c.3357C>A), located in coding exon 34 of the FANCA gene, results from a C to A substitution at nucleotide position 3357. The phenylalanine at codon 1119 is replaced by leucine, an amino acid with highly similar properties. This amino acid position is conserved. In addition, this alteration is predicted to be tolerated by in silico analysis. Based on the available evidence, the clinical significance of this variant remains unclear.

NM_000135.4(FANCA):c.3357C>A (p.Phe1119Leu)

Gene: FANCA (FA complementation group A; minus strand). Cytogenetic location: 16q24.3.
Variant type: single nucleotide variant.
Coding change: c.3357C>A on transcript NM_000135.4 (MANE Select); coding-DNA position 3357, C replaced by A.
Protein change: p.Phe1119Leu; replaces phenylalanine 1119 with leucine.
Molecular consequence: missense variant.
Genome position (GRCh38, 1-based): chr16:89,746,882, G>T on the plus strand (C>A on the coding strand, the complement: FANCA is on the minus strand). VCF-style: chr16-89746882-G-T. GRCh37 (hg19) VCF-style: chr16-89813290-G-T.
Other names: c.3357C>A, p.Phe1119Leu (NM_001286167.3); short protein forms F1119L.
Identifiers: ClinVar variation 4022350 (VCV004022350.1).